The following is an entry in ClinVar:

NM_006031.6(PCNT):c.7166C>T (p.Pro2389Leu)

Gene: PCNT (pericentrin; plus strand). Cytogenetic location: 21q22.3.
Variant type: single nucleotide variant.
Coding change: c.7166C>T on transcript NM_006031.6 (MANE Select); coding-DNA position 7166, C replaced by T.
Protein change: p.Pro2389Leu; replaces proline 2389 with leucine.
Molecular consequence: missense variant.
Genome position (GRCh38, 1-based): chr21:46,422,111, C>T. VCF-style: chr21-46422111-C-T. GRCh37 (hg19) VCF-style: chr21-47842025-C-T.
Other names: c.6812C>T, p.Pro2271Leu (NM_001315529.2); short protein forms P2271L, P2389L.
Identifiers: ClinVar variation 3358245 (VCV003358245.1).

ClinVar aggregate classification (germline): Uncertain significance (0 of 4 stars; one submission).

Conditions:
PCNT-related disorder. Also called: PCNT-related condition.

gnomAD v4.1: 14 of 1,613,596 alleles (0.00087%); highest among the groups gnomAD compares: African/African-American, 0.004%; no homozygotes.

Submission:

PreventionGenetics, part of Exact Sciences
Classification: Uncertain significance for PCNT-related condition. Last evaluated: 2024-07-04. Review status: no assertion criteria provided. Collection method: clinical testing. Allele origin: germline.
Comment: The PCNT c.7166C>T variant is predicted to result in the amino acid substitution p.Pro2389Leu. To our knowledge, this variant has not been reported in the literature. This variant is reported in 0.0040% of alleles in individuals of African descent in gnomAD. At this time, the clinical significance of this variant is uncertain due to the absence of conclusive functional and genetic evidence.